The following is an entry in ClinVar:

NM_000843.4(GRM6):c.1240G>A (p.Ala414Thr)

Genes: GRM6 (glutamate metabotropic receptor 6; minus strand), ZNF454 (zinc finger protein 454; plus strand). Cytogenetic location: 5q35.3.
Variant type: single nucleotide variant.
Coding change: c.1240G>A on transcript NM_000843.4 (MANE Select); coding-DNA position 1240, G replaced by A.
Protein change: p.Ala414Thr; replaces alanine 414 with threonine.
Molecular consequence: missense variant.
Genome position (GRCh38, 1-based): chr5:178,989,049, C>T on the plus strand (G>A on the coding strand, the complement: GRM6 is on the minus strand). VCF-style: chr5-178989049-C-T. GRCh37 (hg19) VCF-style: chr5-178416050-C-T.
Other names: c.1240G>A (NM_000843.3); short protein forms A414T.
Identifiers: ClinVar variation 1058300 (VCV001058300.9), dbSNP rs781133725, ClinGen allele CA3594145.
Genomic context (GRCh38, chr5:178,989,049, plus strand): 5'-CCATCGCCGGGCACAGGCCTGTGTGCCCAGGGCAGAGCGCCTGGTGCATGCTGTGGAGGG[C>T]GTGGGCAATGGCGTACACCGCATCAATCACAAACTGCACCTTGCCCTCCTGCTCGTAGGT-3'
Protein context (NP_000834.2, residues 404-424): VIDAVYAIAH[Ala414Thr]LHSMHQALCP

ClinVar aggregate classification (germline): Uncertain significance. Review status: criteria provided, multiple submitters, no conflicts (2 of 4 stars). 2 submissions from 2 submitters: Uncertain significance (2). Last evaluated 2023-02-16.

Conditions:
Inborn genetic diseases. Identifiers: MedGen C0950123, MeSH D030342.

Allele frequency attached by ClinVar (database versions not stated): ExAC 0.00001; gnomAD exomes 0.00001 and 0.00002.
gnomAD v4.1: 36 of 1,614,006 alleles (0.0022%); highest among the groups gnomAD compares: East Asian, 0.0045%; no homozygotes.

Submissions (2):

Ambry Genetics
Classification: Uncertain significance for Inborn genetic diseases. Last evaluated: 2023-02-16. Review status: criteria provided, single submitter. Criteria: Ambry Variant Classification Scheme 2023. Collection method: clinical testing. Allele origin: germline.

Labcorp Genetics (formerly Invitae), Labcorp
Classification: Uncertain significance. Last evaluated: 2022-07-12. Review status: criteria provided, single submitter. Criteria: Invitae Variant Classification Sherloc (09022015). Collection method: clinical testing. Allele origin: germline.
Comment: This sequence change replaces alanine, which is neutral and non-polar, with threonine, which is neutral and polar, at codon 414 of the GRM6 protein (p.Ala414Thr). This variant has not been reported in the literature in individuals affected with GRM6-related conditions. ClinVar contains an entry for this variant (Variation ID: 1058300). Advanced modeling of protein sequence and biophysical properties (such as structural, functional, and spatial information, amino acid conservation, physicochemical variation, residue mobility, and thermodynamic stability) performed at Invitae indicates that this missense variant is expected to disrupt GRM6 protein function. In summary, the available evidence is currently insufficient to determine the role of this variant in disease. Therefore, it has been classified as a Variant of Uncertain Significance. This variant is present in population databases (rs781133725, gnomAD 0.003%).